The following is an entry in ClinVar:

ClinVar aggregate classification (germline): Conflicting classifications of pathogenicity. Review status: criteria provided, conflicting classifications (1 of 4 stars). 3 submissions from 3 submitters: Pathogenic (1); Uncertain significance (1). 1 of the submissions does not count toward it. Last evaluated 2023-03-24.

Conditions:
Intellectual developmental disorder, X-linked 30. Also called: MENTAL RETARDATION, X-LINKED 47; Intellectual disability, X-linked 30. Identifiers: Orphanet 777, MedGen C0796237, MONDO:0010361, OMIM 300558.
Intellectual disability. Also called: Intellectual developmental disorder; Intellectual functioning disability; intellectual disabilities. Identifiers: MedGen C3714756, MeSH D008607, MONDO:0001071, HP:0001249.

Submissions (3):

GeneDx
Classification: Pathogenic. Last evaluated: 2023-03-24. Review status: criteria provided, single submitter. Criteria: GeneDx Variant Classification Process June 2021. Collection method: clinical testing. Allele origin: germline. Affected: yes.
Comment: Non-canonical splice site variant demonstrated to result in loss of function (Rejeb et al., 2008); Not observed at significant frequency in large population cohorts (gnomAD); This variant is associated with the following publications: (PMID: 18523455)

Diagnostic Laboratory, Strasbourg University Hospital
Classification: Uncertain significance for Intellectual disability. Last evaluated: 2020-04-20. Review status: criteria provided, single submitter. Criteria: ACMG Guidelines, 2015. Collection method: clinical testing. Allele origin: maternal. Inheritance: X-linked inheritance. Affected: yes. Observed: 1 heterozygote.

OMIM
Classification: Pathogenic for INTELLECTUAL DEVELOPMENTAL DISORDER, X-LINKED 30. Last evaluated: 2008-11-01. Review status: no assertion criteria provided. Collection method: literature only. Allele origin: germline. Not counted in ClinVar's aggregate classification.

Literature cited by the submitters: PubMed 18523455 (cited by OMIM).

NM_002578.5(PAK3):c.276+4A>G

Gene: PAK3 (p21 (RAC1) activated kinase 3; plus strand). Cytogenetic location: Xq23.
Variant type: single nucleotide variant.
Coding change: c.276+4A>G on transcript NM_002578.5 (MANE Select); 4 bases into the intron after coding-DNA position 276, A replaced by G.
Molecular consequence: intron variant.
Genome position (GRCh38, 1-based): chrX:111,142,200, A>G. VCF-style: chrX-111142200-A-G. GRCh37 (hg19) VCF-style: chrX-110385428-A-G.
Other names: IVS6DS, A-G, +4; c.276+4A>G (NM_001128166.3, NM_001324325.2, NM_001324330.2 and 12 more transcripts).
Identifiers: ClinVar variation 11572 (VCV000011572.5), dbSNP rs1569398769, ClinGen allele CA658820674.